The following is an entry in ClinVar:

ClinVar aggregate classification (germline): Uncertain significance (1 of 4 stars; one submission).

Conditions:
Temtamy syndrome (TEMTYS). Also called: MENTAL RETARDATION WITH OR WITHOUT CRANIOFACIAL DYSMORPHISM, OCULAR COLOBOMA, OR ABNORMAL CORPUS CALLOSUM. Identifiers: Orphanet 1777, MedGen C1857512, MONDO:0009033, OMIM 218340.

Allele frequency attached by ClinVar (database versions not stated): ExAC 0.00001; gnomAD exomes 0.00001.
gnomAD v4.1: 7 of 1,610,692 alleles (0.00043%); highest among the groups gnomAD compares: East Asian, 0.016%; no homozygotes.

Submission:

Labcorp Genetics (formerly Invitae), Labcorp
Classification: Uncertain significance for Temtamy syndrome. Last evaluated: 2019-05-20. Review status: criteria provided, single submitter. Criteria: Invitae Variant Classification Sherloc (09022015). Collection method: clinical testing. Allele origin: germline.
Comment: This sequence change replaces glutamic acid with aspartic acid at codon 76 of the C12orf57 protein (p.Glu76Asp). The glutamic acid residue is highly conserved and there is a small physicochemical difference between glutamic acid and aspartic acid. This variant is present in population databases (rs782212369, ExAC 0.01%). This variant has not been reported in the literature in individuals with C12orf57-related conditions. Algorithms developed to predict the effect of missense changes on protein structure and function (SIFT, PolyPhen-2, Align-GVGD) all suggest that this variant is likely to be disruptive, but these predictions have not been confirmed by published functional studies and their clinical significance is uncertain. In summary, the available evidence is currently insufficient to determine the role of this variant in disease. Therefore, it has been classified as a Variant of Uncertain Significance.

NM_138425.4(C12orf57):c.228A>C (p.Glu76Asp)

Gene: C12orf57 (chromosome 12 open reading frame 57; plus strand). Cytogenetic location: 12p13.31.
Variant type: single nucleotide variant.
Coding change: c.228A>C on transcript NM_138425.4 (MANE Select); coding-DNA position 228, A replaced by C.
Protein change: p.Glu76Asp; replaces glutamic acid 76 with aspartic acid.
Molecular consequence: missense variant. On other transcripts: intron variant (1).
Genome position (GRCh38, 1-based): chr12:6,944,651, A>C. VCF-style: chr12-6944651-A-C. GRCh37 (hg19) VCF-style: chr12-7053814-A-C.
Other names: c.228A>C, p.Glu76Asp (NM_001301834.1); c.189A>C, p.Glu63Asp (NM_001301836.2); c.123A>C, p.Glu41Asp (NM_001301838.2); c.142+86A>C (NM_001301837.2); short protein forms E63D, E76D, E41D.
Identifiers: ClinVar variation 835712 (VCV000835712.9), dbSNP rs782212369, ClinGen allele CA6421288.